The following is an entry in ClinVar:

ClinVar aggregate classification (germline): Uncertain significance (1 of 4 stars; one submission).

Conditions:
Wilson disease (WND). Also called: Wilson's disease. Identifiers: Orphanet 905, MedGen C0019202, MONDO:0010200, OMIM 277900. Disease mechanism: loss of function.

Submission:

Color Diagnostics, LLC DBA Color Health
Classification: Uncertain significance for Wilson disease. Last evaluated: 2025-07-02. Review status: criteria provided, single submitter. Criteria: ACMG Guidelines, 2015. Collection method: clinical testing. Allele origin: germline.
Comment: This missense variant replaces threonine with alanine at codon 888 of the ATP7B protein. This variant alters a conserved residue in the actuator domain of the ATP7B protein (a.a. 786 - 917), a region that is considered to be important for ATP7B protein function (PMID: 35245129ClinVar). Computational prediction suggests that this variant may have deleterious impact on protein structure and function. To our knowledge, functional studies have not been reported for this variant. This variant has not been reported in individuals affected with ATP7B-related disorders in the literature. This variant has not been identified in the general population by the Genome Aggregation Database (gnomAD). A different variant occurring at the same codon, p.Thr888Pro, is a well documented pathogenic mutation (ClinVar Variation ID: 642900), indicating that threonine at this position is important for ATP7B protein function. The available evidence is insufficient to determine the role of this variant in disease conclusively. Therefore, this variant is classified as a Variant of Uncertain Significance.

Literature cited by the submitters: PubMed 35245129.

NM_000053.4(ATP7B):c.2662A>G (p.Thr888Ala)

Gene: ATP7B (ATPase copper transporting beta; minus strand). Cytogenetic location: 13q14.3.
Variant type: single nucleotide variant.
Coding change: c.2662A>G on transcript NM_000053.4 (MANE Select); coding-DNA position 2662, A replaced by G.
Protein change: p.Thr888Ala; replaces threonine 888 with alanine.
Molecular consequence: missense variant.
Genome position (GRCh38, 1-based): chr13:51,950,075, T>C on the plus strand (A>G on the coding strand, the complement: ATP7B is on the minus strand). VCF-style: chr13-51950075-T-C. GRCh37 (hg19) VCF-style: chr13-52524211-T-C.
Other names: c.2662A>G, p.Thr888Ala (NM_001406526.1, NM_001406535.1, NM_001406511.1 and 7 more transcripts); c.2428A>G, p.Thr810Ala (NM_001406527.1, NM_001406528.1, NM_001406534.1 and 2 more transcripts); c.2422A>G, p.Thr808Ala (NM_001406530.1); c.2410A>G, p.Thr804Ala (NM_001406531.1, NM_001406532.1, NM_001330579.2 and 1 more transcripts); c.2332A>G, p.Thr778Ala (NM_001406536.1); c.2518A>G, p.Thr840Ala (NM_001406537.1, NM_001406520.1, NM_001406521.1 and 1 more transcripts); c.2176A>G, p.Thr726Ala (NM_001005918.3, NM_001406541.1, NM_001406542.1 and 1 more transcripts); c.2329A>G, p.Thr777Ala (NM_001243182.2); and 8 more; short protein forms T458A, T672A, T694A, T726A, T745A, T772A, T777A, T778A.
Identifiers: ClinVar variation 4757243 (VCV004757243.1).
Genomic context (GRCh38, chr13:51,950,075, plus strand): 5'-TCTGAGCCTCTTCCACCAGTTTCACAATCTGAGCCAAAGTGGTGTCATTGCCCACGTGGG[T>C]AGCTTTAATGAGCACAGAGCCATGTGCATTTATAGACCCCGCAATTACAGTGCTTCCGGG-3'
Protein context (NP_000044.2, residues 878-898): NAHGSVLIKA[Thr888Ala]HVGNDTTLAQ